The following is an entry in ClinVar:

ClinVar aggregate classification (germline): Uncertain significance (1 of 4 stars; one submission).

Conditions:
Growth hormone insensitivity with immune dysregulation 1, autosomal recessive. Also called: Laron syndrome with immunodeficiency; GROWTH HORMONE INSENSITIVITY DUE TO POSTRECEPTOR DEFECT; LARON SYNDROME DUE TO POSTRECEPTOR DEFECT; GROWTH HORMONE INSENSITIVITY SYNDROME WITH IMMUNE DYSREGULATION 1, AUTOSOMAL RECESSIVE. Identifiers: Orphanet 220465, MedGen C5435698, MONDO:0100211, OMIM 245590.

Allele frequency attached by ClinVar (database versions not stated): TOPMed below 0.00001.

Submission:

Labcorp Genetics (formerly Invitae), Labcorp
Classification: Uncertain significance for Growth hormone insensitivity with immune dysregulation 1, autosomal recessive. Last evaluated: 2022-06-27. Review status: criteria provided, single submitter. Criteria: Invitae Variant Classification Sherloc (09022015). Collection method: clinical testing. Allele origin: germline.
Comment: This sequence change replaces glutamine, which is neutral and polar, with leucine, which is neutral and non-polar, at codon 745 of the STAT5B protein (p.Gln745Leu). This variant is not present in population databases (gnomAD no frequency). This variant has not been reported in the literature in individuals affected with STAT5B-related conditions. Algorithms developed to predict the effect of missense changes on protein structure and function (SIFT, PolyPhen-2, Align-GVGD) all suggest that this variant is likely to be tolerated. In summary, the available evidence is currently insufficient to determine the role of this variant in disease. Therefore, it has been classified as a Variant of Uncertain Significance.

NM_012448.4(STAT5B):c.2234A>T (p.Gln745Leu)

Gene: STAT5B (signal transducer and activator of transcription 5B; minus strand). Cytogenetic location: 17q21.2.
Variant type: single nucleotide variant.
Coding change: c.2234A>T on transcript NM_012448.4 (MANE Select); coding-DNA position 2234, A replaced by T.
Protein change: p.Gln745Leu; replaces glutamine 745 with leucine.
Molecular consequence: missense variant.
Genome position (GRCh38, 1-based): chr17:42,202,343, T>A on the plus strand (A>T on the coding strand, the complement: STAT5B is on the minus strand). VCF-style: chr17-42202343-T-A. GRCh37 (hg19) VCF-style: chr17-40354361-T-A.
Other names: short protein forms Q745L.
Identifiers: ClinVar variation 1478460 (VCV001478460.8), dbSNP rs2080051759, ClinGen allele CA399573085.